The following is an entry in ClinVar:

ClinVar aggregate classification (germline): Conflicting classifications of pathogenicity. Review status: criteria provided, conflicting classifications (1 of 4 stars). 5 submissions from 5 submitters: Pathogenic (1); Uncertain significance (1). 3 of the submissions do not count toward it. Last evaluated 2024-03-12.

Conditions:
Joubert syndrome. Also called: Familial aplasia of the vermis; JOUBERT-BOLTSHAUSER SYNDROME. Identifiers: Orphanet 475, MedGen C5979921, MONDO:0018772.
ARMC9-related disorder. Also called: ARMC9-related condition.
Joubert syndrome 30. Identifiers: MedGen C4539937, MONDO:0033308, OMIM 617622.
ARMC9-related Joubert syndrome.

gnomAD v4.1: 4 of 1,614,084 alleles (0.00025%); highest among the groups gnomAD compares: Non-Finnish European, 0.00034%; no homozygotes.

Submissions (5):

Broad Center for Mendelian Genomics, Broad Institute of MIT and Harvard
Classification: Uncertain significance for Joubert syndrome 30. Last evaluated: 2024-03-12. Review status: criteria provided, single submitter. Criteria: ACMG Guidelines, 2015. Collection method: curation. Allele origin: germline. Inheritance: Autosomal recessive inheritance.
Comment: The p.Arg343Ser variant in ARMC9 has been previously reported in two siblings with Joubert syndrome 30 (PMID: 28625504) but has been identified in 0.0009% (1/113742) of European (non-Finnish) chromosomes by the Genome Aggregation Database (gnomAD; dbSNP ID: rs759799287). Although this variant has been seen in the general population in a heterozygous state, its frequency is low enough to be consistent with a recessive carrier frequency. These two affected individuals were compound heterozygotes that carried a likely pathogenic variant in trans (ClinVar Variation ID: 427933), which increases the likelihood that the p.Arg343Ser variant is pathogenic. This variant has also been reported in ClinVar (Variation ID: 427937) and has been interpreted as pathogenic by OMIM and the UW Hindbrain Malformation Research Program and as likely pathogenic by the University of Washington Center for Mendelian Genomics. One additional likely pathogenic variant, resulting in a different amino acid change at the same position, p.Arg343Cys, has been reported in association with disease in the literature and in ClinVar, slightly supporting that a change at this position may not be tolerated (PMID: 28625504, 31474318, 32552793, 35186037; Variation ID: 427932). Computational prediction tools and conservation analyses do not provide strong support for or against an impact to the protein. In summary, while there is some suspicion for a pathogenic role, the clinical significance of this variant is uncertain. ACMG/AMP Criteria applied: PM2_Supporting, PM3, PM5_Supporting (Richards 2015).

Blueprint Genetics
Classification: Pathogenic for ARMC9-related disorders. Last evaluated: 2022-04-14. Review status: criteria provided, single submitter. Criteria: ACMG Guidelines, 2015. Collection method: clinical testing. Allele origin: germline. Affected: yes. Observed: 3 variant alleles.

OMIM
Classification: Pathogenic for JOUBERT SYNDROME 30. Last evaluated: 2017-08-16. Review status: no assertion criteria provided. Collection method: literature only. Allele origin: germline. Not counted in ClinVar's aggregate classification.

UW Hindbrain Malformation Research Program, University of Washington
Classification: Pathogenic for ARMC9-related Joubert syndrome. Last evaluated: 2017-05-01. Review status: no assertion criteria provided. Collection method: research. Allele origin: maternal. Affected: yes. Not counted in ClinVar's aggregate classification.

University of Washington Center for Mendelian Genomics, University of Washington
Classification: Likely pathogenic for Joubert Syndrome. Review status: no assertion criteria provided. Collection method: research. Allele origin: inherited. Affected: yes. Not counted in ClinVar's aggregate classification.

Literature cited by the submitters: PubMed 39033378 (cited by Broad Center for Mendelian Genomics, Broad Institute of MIT and Harvard); PubMed 28625504 (cited by OMIM and University of Washington Center for Mendelian Genomics, University of Washington).

NM_001352754.2(ARMC9):c.1027C>A (p.Arg343Ser)

Gene: ARMC9 (armadillo repeat containing 9; plus strand). Cytogenetic location: 2q37.1.
Variant type: single nucleotide variant.
Coding change: c.1027C>A on transcript NM_001352754.2 (MANE Select); coding-DNA position 1027, C replaced by A.
Protein change: p.Arg343Ser; replaces arginine 343 with serine.
Molecular consequence: missense variant. On other transcripts: non-coding transcript variant (1).
Genome position (GRCh38, 1-based): chr2:231,262,306, C>A. VCF-style: chr2-231262306-C-A. GRCh37 (hg19) VCF-style: chr2-232127019-C-A.
Other names: NM_001352754.2(ARMC9):c.1027C>A; p.Arg343Ser; c.1027C>A, p.Arg343Ser (NM_001271466.4, NM_001291656.2, NM_001352755.2 and 3 more transcripts); c.928C>A, p.Arg310Ser (NM_001352757.2, NM_001352758.2); short protein forms R343S, R310S.
Identifiers: ClinVar variation 427937 (VCV000427937.4), dbSNP rs759799287, ClinGen allele CA2160166.